The following is an entry in ClinVar:

ClinVar aggregate classification (germline): Conflicting classifications of pathogenicity. Review status: criteria provided, conflicting classifications (1 of 4 stars). 6 submissions from 6 submitters: Uncertain significance (2); Benign (2); Likely benign (2). Last evaluated 2026-09-01.

Conditions:
Hemochromatosis type 1 (HFE1). Also called: HFE-Associated Hereditary Hemochromatosis; HFE-Related Hemochromatosis. Identifiers: Orphanet 465508, MedGen C3469186, MONDO:0021001, OMIM 235200. Disease mechanism: loss of function.
Hereditary hemochromatosis (HFE). Identifiers: MedGen C0392514, MONDO:0006507. Disease mechanism: loss of function.

Allele frequency attached by ClinVar (database versions not stated): ESP Exome Variant Server 0.00069; TOPMed 0.00079; gnomAD 0.00081 and 0.00147; 1000 Genomes Project 0.00180; 1000 Genomes Project 30x 0.00203; gnomAD exomes 0.00219 and 0.00356; ExAC 0.00390.
gnomAD v4.1: 3,372 of 1,614,216 alleles (0.21%); highest among the groups gnomAD compares: South Asian, 2.6%; 84 homozygotes.

Submissions (6):

CeGaT Center for Human Genetics Tuebingen
Classification: Benign. Last evaluated: 2026-09-01. Review status: criteria provided, single submitter. Criteria: CeGaT Center For Human Genetics Tuebingen Variant Classification Criteria Version 2. Collection method: clinical testing. Allele origin: germline. Affected: yes. Observed: 16 variant alleles.
Comment: HFE: BP4, BS1, BS2

Labcorp Genetics (formerly Invitae), Labcorp
Classification: Likely benign for Hereditary hemochromatosis. Last evaluated: 2026-01-28. Review status: criteria provided, single submitter. Criteria: Invitae Variant Classification Sherloc (09022015). Collection method: clinical testing. Allele origin: germline.

Genomic Medicine Center of Excellence, King Faisal Specialist Hospital and Research Centre
Classification: Likely benign for Hemochromatosis type 1. Last evaluated: 2025-07-30. Review status: criteria provided, single submitter. Criteria: ACMG Guidelines, 2015. Collection method: clinical testing. Allele origin: germline.

Mayo Clinic Laboratories, Mayo Clinic
Classification: Uncertain significance. Last evaluated: 2023-10-13. Review status: criteria provided, single submitter. Criteria: ACMG Guidelines, 2015. Collection method: clinical testing. Allele origin: germline. Observed: 1 variant allele.
Comment: BA1, BS2, BP4

GeneDx
Classification: Benign. Last evaluated: 2020-05-18. Review status: criteria provided, single submitter. Criteria: GeneDx Variant Classification Process June 2021. Collection method: clinical testing. Allele origin: germline. Affected: yes.
Comment: This variant is associated with the following publications: (PMID: 27153395, 27884173, 10612845, 22624560, 18762941)

Eurofins Ntd Llc (ga)
Classification: Uncertain significance. Last evaluated: 2017-10-10. Review status: criteria provided, single submitter. Criteria: EGL Classification Definitions 2015. Collection method: clinical testing. Allele origin: germline. Observed: 3 variant alleles, 2 heterozygotes, 1 homozygote.

Literature cited by the submitters: PubMed 10612845 (cited by Mayo Clinic Laboratories, Mayo Clinic); PubMed 15570296 (cited by Mayo Clinic Laboratories, Mayo Clinic); PubMed 18325820 (cited by Mayo Clinic Laboratories, Mayo Clinic); PubMed 18762941 (cited by Mayo Clinic Laboratories, Mayo Clinic); PubMed 22624560 (cited by Mayo Clinic Laboratories, Mayo Clinic); PubMed 27591421 (cited by Mayo Clinic Laboratories, Mayo Clinic).

NM_000410.4(HFE):c.829G>A (p.Glu277Lys)

Gene: HFE (homeostatic iron regulator; plus strand). Cytogenetic location: 6p22.2.
Variant type: single nucleotide variant.
Coding change: c.829G>A on transcript NM_000410.4 (MANE Select); coding-DNA position 829, G replaced by A.
Protein change: p.Glu277Lys; replaces glutamic acid 277 with lysine.
Molecular consequence: missense variant. On other transcripts: intron variant (1).
Genome position (GRCh38, 1-based): chr6:26,092,897, G>A. VCF-style: chr6-26092897-G-A. GRCh37 (hg19) VCF-style: chr6-26093125-G-A.
Other names: c.829G>A, p.Glu277Lys (NM_001300749.3, NM_001384164.1); c.820G>A, p.Glu274Lys (NM_001406751.1); c.565G>A, p.Glu189Lys (NM_001406752.1, NM_139007.3); c.511G>A, p.Glu171Lys (NM_139003.3); c.553G>A, p.Glu185Lys (NM_139004.3); c.787G>A, p.Glu263Lys (NM_139006.3); c.523G>A, p.Glu175Lys (NM_139008.3); c.760G>A, p.Glu254Lys (NM_139009.3); and 2 more; short protein forms E277K, E189K, E171K, E185K, E254K, E175K, E263K, E97K.
Identifiers: ClinVar variation 356196 (VCV000356196.47), dbSNP rs140080192, ClinGen allele CA3666745.